The following is an entry in ClinVar:

NM_005271.5(GLUD1):c.247G>A (p.Asp83Asn)

Genes: GLUD1 (glutamate dehydrogenase 1; minus strand), SHLD2 (shieldin complex subunit 2; plus strand). Cytogenetic location: 10q23.2.
Variant type: single nucleotide variant.
Coding change: c.247G>A on transcript NM_005271.5 (MANE Select); coding-DNA position 247, G replaced by A.
Protein change: p.Asp83Asn; replaces aspartic acid 83 with asparagine.
Molecular consequence: missense variant. On other transcripts: 5 prime UTR variant (3).
Genome position (GRCh38, 1-based): chr10:87,094,523, C>T on the plus strand (G>A on the coding strand, the complement: GLUD1 is on the minus strand). VCF-style: chr10-87094523-C-T. GRCh37 (hg19) VCF-style: chr10-88854280-C-T.
Other names: c.-482G>A (NM_001318904.2); c.-608G>A (NM_001318905.2); c.-315G>A (NM_001318906.2); c.247G>A (NM_005271.3); short protein forms D83N.
Identifiers: ClinVar variation 2168245 (VCV002168245.5), dbSNP rs368011745, ClinGen allele CA5587737.

ClinVar aggregate classification (germline): Uncertain significance. Review status: criteria provided, multiple submitters, no conflicts (2 of 4 stars). 2 submissions from 2 submitters: Uncertain significance (2). Last evaluated 2025-07-29.

Conditions:
Hyperinsulinism-hyperammonemia syndrome (HHF6). Identifiers: Orphanet 35878, MedGen C1847555, MONDO:0011717, OMIM 606762.

Allele frequency attached by ClinVar (database versions not stated): gnomAD exomes below 0.00001; TOPMed below 0.00001; ExAC 0.00001; gnomAD 0.00001; ESP Exome Variant Server 0.00008.
gnomAD v4.1: 5 of 1,612,886 alleles (0.00031%); highest among the groups gnomAD compares: Non-Finnish European, 0.00042%; no homozygotes.

Submissions (2):

Labcorp Genetics (formerly Invitae), Labcorp
Classification: Uncertain significance for Hyperinsulinism-hyperammonemia syndrome. Last evaluated: 2025-07-29. Review status: criteria provided, single submitter. Criteria: Invitae Variant Classification Sherloc (09022015). Collection method: clinical testing. Allele origin: germline.
Comment: This sequence change replaces aspartic acid, which is acidic and polar, with asparagine, which is neutral and polar, at codon 83 of the GLUD1 protein (p.Asp83Asn). This variant is present in population databases (rs368011745, gnomAD 0.0009%). This variant has not been reported in the literature in individuals affected with GLUD1-related conditions. ClinVar contains an entry for this variant (Variation ID: 2168245). An algorithm developed to predict the effect of missense changes on protein structure and function (PolyPhen-2) suggests that this variant is likely to be tolerated. In summary, the available evidence is currently insufficient to determine the role of this variant in disease. Therefore, it has been classified as a Variant of Uncertain Significance.

GeneDx
Classification: Uncertain significance. Last evaluated: 2025-02-21. Review status: criteria provided, single submitter. Criteria: GeneDx Variant Classification Process June 2021. Collection method: clinical testing. Allele origin: germline. Affected: yes.
Comment: Not observed at significant frequency in large population cohorts (gnomAD); In silico analysis indicates that this missense variant does not alter protein structure/function; Has not been previously published as pathogenic or benign to our knowledge